The following is an entry in ClinVar:

ClinVar aggregate classification (germline): Benign. Review status: no assertion criteria provided (0 of 4 stars). 2 submissions from 1 submitter: Benign (1). 1 of the submissions does not count toward it. Last evaluated 2013-07-10.

Submissions (2):

ISCA site 4
Classification: Benign. Last evaluated: 2013-07-10. Review status: no assertion criteria provided. Collection method: clinical testing. Allele origin: unknown. Affected: yes. Observed: 23 variant alleles. Clinical features observed: Global developmental delay (HP:0001263), Agenesis of corpus callosum (HP:0001274), Hypotelorism (HP:0000601), Upslanted palpebral fissure (HP:0000582), Seizure (HP:0001275), Developmental delay AND/OR other significant developmental or morphological phenotypes, Aplastic anemia (HP:0001915), Expressive language delay (HP:0002474), Autism (HP:0000717), Encephalopathy (HP:0001298).

ISCA site 4
Classification: Benign. Last evaluated: 2011-08-12. Review status: flagged submission. Criteria: Kaminsky et al. (Genet Med. 2011). Collection method: clinical testing. Allele origin: unknown. Affected: yes. Observed: 4 variant alleles. Clinical features observed: Global developmental delay (HP:0001263), Obesity (HP:0001513), Intellectual disability (HP:0001249), Abnormality of the nervous system (HP:0000707), Patent ductus arteriosus (HP:0001643). Not counted in ClinVar's aggregate classification.
Comment: Copy number variation identified through the course of routine clinical cytogenomic testing in postnatal populations. Clinical assertions have been curated as described in Kaminsky et al. 2011.
ClinVar note: Reason: This record appears to be redundant with a more recent record from the same submitter.
ClinVar note: Notes: SCV000077589 appears to be redundant with SCV000173022.

GRCh38/hg38 8p23.1(chr8:7195664-8222398)x1

Genes: DEFB103A (defensin beta 103A; plus strand), DEFB103B (defensin beta 103B), DEFB104A (defensin beta 104A; plus strand), DEFB104B (defensin beta 104B), DEFB105A (defensin beta 105A; minus strand) and 46 more. Cytogenetic location: 8p23.1.
Variant type: copy number loss.
Change: copy number 1 (one copy instead of two) of chr8:7,195,664-8,222,398 (1.03 Mb, GRCh38 coordinates, 1-based), cytogenetic band 8p23.1.
Identifiers: ClinVar variation 32069 (VCV000032069.3).